The following is an entry in ClinVar:

NM_004385.5(VCAN):c.3094C>G (p.Gln1032Glu)

Gene: VCAN (versican; plus strand). Cytogenetic location: 5q14.3.
Variant type: single nucleotide variant.
Coding change: c.3094C>G on transcript NM_004385.5 (MANE Select); coding-DNA position 3094, C replaced by G.
Protein change: p.Gln1032Glu; replaces glutamine 1032 with glutamic acid.
Molecular consequence: missense variant. On other transcripts: intron variant (2).
Genome position (GRCh38, 1-based): chr5:83,521,400, C>G. VCF-style: chr5-83521400-C-G. GRCh37 (hg19) VCF-style: chr5-82817219-C-G.
Other names: c.3094C>G, p.Gln1032Glu (NM_001164098.2); c.1042+9004C>G (NM_001164097.2, NM_001126336.3); short protein forms Q1032E.
Identifiers: ClinVar variation 354412 (VCV000354412.17), dbSNP rs201255257, ClinGen allele CA3332953.

ClinVar aggregate classification (germline): Conflicting classifications of pathogenicity. Review status: criteria provided, conflicting classifications (1 of 4 stars). 5 submissions from 5 submitters: Uncertain significance (1); Benign (2); Likely benign (1). 1 of the submissions does not count toward it. Last evaluated 2025-12-25.

Conditions:
VCAN-related disorder. Also called: VCAN-related condition.
Inborn genetic diseases. Identifiers: MedGen C0950123, MeSH D030342.
Vitreoretinopathy. Also called: Vitreoretinal degeneration. Identifiers: MedGen C0344290, MONDO:0020248, HP:0007773.

Allele frequency attached by ClinVar (database versions not stated): TOPMed 0.00014; gnomAD exomes 0.00015 and 0.00022; 1000 Genomes Project 30x 0.00016; gnomAD 0.00016 and 0.00017; 1000 Genomes Project 0.00020; ExAC 0.00023; ESP Exome Variant Server 0.00031.
gnomAD v4.1: 252 of 1,614,122 alleles (0.016%); highest among the groups gnomAD compares: Non-Finnish European, 0.009%; no homozygotes.

Submissions (5):

Labcorp Genetics (formerly Invitae), Labcorp
Classification: Benign. Last evaluated: 2025-12-25. Review status: criteria provided, single submitter. Criteria: Invitae Variant Classification Sherloc (09022015). Collection method: clinical testing. Allele origin: germline.

Blueprint Genetics
Classification: Likely benign. Last evaluated: 2024-11-11. Review status: criteria provided, single submitter. Criteria: ACMG Guidelines, 2015. Collection method: clinical testing. Allele origin: germline.

Ambry Genetics
Classification: Uncertain significance for Inborn genetic diseases. Last evaluated: 2021-08-02. Review status: criteria provided, single submitter. Criteria: Ambry Variant Classification Scheme 2023. Collection method: clinical testing. Allele origin: germline.

Illumina Laboratory Services, Illumina
Classification: Benign for Vitreoretinopathy. Last evaluated: 2018-01-12. Review status: criteria provided, single submitter. Criteria: ICSL Variant Classification Criteria 13 December 2019. Collection method: clinical testing. Allele origin: germline.
Comment: This variant was observed in the ICSL laboratory as part of a predisposition screen in an ostensibly healthy population. It had not been previously curated by ICSL or reported in the Human Gene Mutation Database (HGMD: prior to June 1st, 2018), and was therefore a candidate for classification through an automated scoring system. Utilizing variant allele frequency, disease prevalence and penetrance estimates, and inheritance mode, an automated score was calculated to assess if this variant is too frequent to cause the disease. Based on the score and internal cut-off values, a variant classified as benign is not then subjected to further curation. The score for this variant resulted in a classification of benign for this disease.

PreventionGenetics, part of Exact Sciences
Classification: Benign for VCAN-related condition. Last evaluated: 2019-06-05. Review status: no assertion criteria provided. Collection method: clinical testing. Allele origin: germline. Not counted in ClinVar's aggregate classification.
Comment: This variant is classified as benign based on ACMG/AMP sequence variant interpretation guidelines (Richards et al. 2015 PMID: 25741868, with internal and published modifications).